The following is an entry in ClinVar:

ClinVar aggregate classification (germline): Uncertain significance (1 of 4 stars; one submission).

Allele frequency attached by ClinVar (database versions not stated): TOPMed 0.00001 and below 0.00001; gnomAD 0.00001.

Submission:

Laboratory for Molecular Medicine, Mass General Brigham Personalized Medicine
Classification: Uncertain significance. Last evaluated: 2014-02-17. Review status: criteria provided, single submitter. Criteria: LMM Criteria. Collection method: clinical testing. Allele origin: germline. Observed: 1 variant allele.
Comment: The Ser539fs variant in NEBL gene has not been reported in individuals with card iomyopathy. This frameshift variant is predicted to alter the protein?s amino ac id sequence beginning at position 539 and lead to a premature termination codon 36 amino acids downstream. This alteration is then predicted to lead to a trunca ted or absent protein. Missense variants in NEBL have been reported in individua ls with DCM and endocardial fibroelastosis, and mouse studies provide support fo r a role of this gene in the etiology of dilated cardiomyopathy (Purevjav 2010), but the spectrum of variant for this gene has not been fully elucidated. In sum mary, additional studies are needed to fully assess the clinical significance of this variant.

NM_006393.3(NEBL):c.1617del (p.Ser539fs)

Gene: NEBL (nebulette; minus strand). Cytogenetic location: 10p12.31.
Variant type: Deletion.
Coding change: c.1617del on transcript NM_006393.3 (MANE Select); coding-DNA position 1617, one base deleted (C; older notation c.1617delC).
Protein change: p.Ser539fs; shifts the reading frame from serine 539.
Molecular consequence: frameshift variant. On other transcripts: intron variant (9).
Genome position (GRCh38, 1-based): chr10:20,831,250, G deleted on the plus strand (C on the coding strand, the reverse complement: NEBL is on the minus strand). VCF-style (leftmost placement, unchanged base first): chr10-20831249-TG-T. GRCh37 (hg19) VCF-style: chr10-21120178-TG-T.
Other names: c.1617delC (NM_006393.2); c.250-18310del (NM_001377326.1, NM_001377327.1, NM_001377328.1); c.358-18310del (NM_213569.2, NM_001173484.2, NM_001377322.1); c.301-18310del (NM_001377324.1); c.292-18310del (NM_001377325.1); c.310-18310del (NM_001377323.1); short protein forms S539fs.
Identifiers: ClinVar variation 179515 (VCV000179515.5), dbSNP rs727504917, ClinGen allele CA184572.